The following is an entry in ClinVar:

ClinVar aggregate classification (germline): Uncertain significance. Review status: criteria provided, single submitter (1 of 4 stars). 2 submissions from 2 submitters: Uncertain significance (1). 1 of the submissions does not count toward it. Last evaluated 2023-01-28.

Conditions:
DNA ligase IV deficiency. Identifiers: Orphanet 99812, MedGen C1847827, MONDO:0011686, OMIM 606593.

Allele frequency attached by ClinVar (database versions not stated): TOPMed below 0.00001; ExAC 0.00001; gnomAD 0.00001; gnomAD exomes 0.00001 and 0.00002; ESP Exome Variant Server 0.00008.
gnomAD v4.1: 8 of 1,613,896 alleles (0.0005%); highest among the groups gnomAD compares: Admixed American, 0.005%; no homozygotes.

Submissions (2):

Labcorp Genetics (formerly Invitae), Labcorp
Classification: Uncertain significance for DNA ligase IV deficiency. Last evaluated: 2023-01-28. Review status: criteria provided, single submitter. Criteria: Invitae Variant Classification Sherloc (09022015). Collection method: clinical testing. Allele origin: germline.
Comment: ClinVar contains an entry for this variant (Variation ID: 977897). In summary, the available evidence is currently insufficient to determine the role of this variant in disease. Therefore, it has been classified as a Variant of Uncertain Significance. Advanced modeling of protein sequence and biophysical properties (such as structural, functional, and spatial information, amino acid conservation, physicochemical variation, residue mobility, and thermodynamic stability) performed at Invitae indicates that this missense variant is expected to disrupt LIG4 protein function. This variant has not been reported in the literature in individuals affected with LIG4-related conditions. This variant is present in population databases (rs370586288, gnomAD 0.006%). This sequence change replaces valine, which is neutral and non-polar, with leucine, which is neutral and non-polar, at codon 132 of the LIG4 protein (p.Val132Leu).

Service de Génétique Moléculaire, Hôpital Robert Debré
Classification: Likely benign for DNA ligase IV deficiency. Review status: no assertion criteria provided. Collection method: clinical testing. Allele origin: unknown. Affected: yes. Not counted in ClinVar's aggregate classification.

NM_206937.2(LIG4):c.394G>T (p.Val132Leu)

Gene: LIG4 (DNA ligase 4; minus strand). Cytogenetic location: 13q33.3.
Variant type: single nucleotide variant.
Coding change: c.394G>T on transcript NM_206937.2 (MANE Select); coding-DNA position 394, G replaced by T.
Protein change: p.Val132Leu; replaces valine 132 with leucine.
Molecular consequence: missense variant.
Genome position (GRCh38, 1-based): chr13:108,210,875, C>A on the plus strand (G>T on the coding strand, the complement: LIG4 is on the minus strand). VCF-style: chr13-108210875-C-A. GRCh37 (hg19) VCF-style: chr13-108863223-C-A.
Other names: c.394G>T, p.Val132Leu (NM_001098268.2, NM_001352598.2, NM_001352599.2 and 6 more transcripts); c.193G>T, p.Val65Leu (NM_001330595.2); c.430G>T, p.Val144Leu (NM_001352604.2); short protein forms V132L, V144L, V65L.
Identifiers: ClinVar variation 977897 (VCV000977897.4), dbSNP rs370586288, ClinGen allele CA7043846.